The following is an entry in ClinVar:

NM_000130.5(F5):c.2594A>G (p.His865Arg)

Gene: F5 (coagulation factor V; minus strand). Cytogenetic location: 1q24.2.
Variant type: single nucleotide variant.
Coding change: c.2594A>G on transcript NM_000130.5 (MANE Select); coding-DNA position 2594, A replaced by G.
Protein change: p.His865Arg; replaces histidine 865 with arginine.
Molecular consequence: missense variant.
Genome position (GRCh38, 1-based): chr1:169,542,496, T>C on the plus strand (A>G on the coding strand, the complement: F5 is on the minus strand). VCF-style: chr1-169542496-T-C. GRCh37 (hg19) VCF-style: chr1-169511734-T-C.
Other names: short protein forms H865R.
Identifiers: ClinVar variation 255201 (VCV000255201.19), dbSNP rs4525, ClinGen allele CA1234065.

ClinVar aggregate classification (germline): Benign/Likely benign. Review status: criteria provided, multiple submitters, no conflicts (2 of 4 stars). 10 submissions from 8 submitters: Benign (7); Likely benign (1). 2 of the submissions do not count toward it. Last evaluated 2026-02-04.

Conditions:
Thrombophilia due to thrombin defect (THPH1). Also called: Thrombosis susceptibility; THROMBOPHILIA DUE TO FACTOR 2 DEFECT; Prothrombin-Related Thrombophilia (Factor II); Prothrombin Thrombophilia. Identifiers: MedGen C3160733, MONDO:0008559, OMIM 188050. Disease mechanism: gain of function, loss of function.
Congenital factor V deficiency. Also called: LABILE FACTOR DEFICIENCY; OWREN PARAHEMOPHILIA; PARAHEMOPHILIA; Hereditary factor V deficiency disease. Identifiers: Orphanet 326, MedGen C0015499, MONDO:0009210, OMIM 227400.
Budd-Chiari syndrome (BDCHS). Also called: Hepatic vein obstruction. Identifiers: Orphanet 131, MedGen C0856761, MONDO:0010947, OMIM 600880, HP:0002639.
Factor V deficiency. Also called: Reduced coagulation factor V activity. Identifiers: Orphanet 326, MedGen C4317320, MONDO:0020586, HP:0003225.

Allele frequency attached by ClinVar (database versions not stated): gnomAD 0.24141 and 0.24540; ESP Exome Variant Server 0.24373; TOPMed 0.25420; 1000 Genomes Project 30x 0.25999; 1000 Genomes Project 0.26278; ExAC 0.27377; gnomAD exomes 0.27849.
gnomAD v4.1: 434,661 of 1,613,802 alleles (27%); highest among the groups gnomAD compares: Admixed American, 39%; 60,144 homozygotes.

Submissions (13):

Labcorp Genetics (formerly Invitae), Labcorp
Classification: Benign for Congenital factor V deficiency. Last evaluated: 2026-02-04. Review status: criteria provided, single submitter. Criteria: Invitae Variant Classification Sherloc (09022015). Collection method: clinical testing. Allele origin: germline.

Mayo Clinic Laboratories, Mayo Clinic
Classification: Benign. Last evaluated: 2022-01-13. Review status: criteria provided, single submitter. Criteria: ACMG Guidelines, 2015. Collection method: clinical testing. Allele origin: germline. Observed: 100 variant alleles.

GeneDx
Classification: Benign. Last evaluated: 2018-11-11. Review status: criteria provided, single submitter. Criteria: GeneDx Variant Classification Process June 2021. Collection method: clinical testing. Allele origin: germline. Affected: yes.

Illumina Laboratory Services, Illumina
Classification: Benign for Budd-Chiari syndrome. Last evaluated: 2018-01-13. Review status: criteria provided, single submitter. Criteria: ICSL Variant Classification Criteria 13 December 2019. Collection method: clinical testing. Allele origin: germline.
Comment: This variant was observed in the ICSL laboratory as part of a predisposition screen in an ostensibly healthy population. It had not been previously curated by ICSL or reported in the Human Gene Mutation Database (HGMD: prior to June 1st, 2018), and was therefore a candidate for classification through an automated scoring system. Utilizing variant allele frequency, disease prevalence and penetrance estimates, and inheritance mode, an automated score was calculated to assess if this variant is too frequent to cause the disease. Based on the score and internal cut-off values, a variant classified as benign is not then subjected to further curation. The score for this variant resulted in a classification of benign for this disease.

Illumina Laboratory Services, Illumina
Classification: Benign for Venous thrombosis. Last evaluated: 2018-01-13. Review status: criteria provided, single submitter. Criteria: ICSL Variant Classification Criteria 13 December 2019. Collection method: clinical testing. Allele origin: germline.
Comment: the same text as in the submission from Illumina Laboratory Services, Illumina above.

Illumina Laboratory Services, Illumina
Classification: Benign for Congenital factor V deficiency. Last evaluated: 2018-01-13. Review status: criteria provided, single submitter. Criteria: ICSL Variant Classification Criteria 13 December 2019. Collection method: clinical testing. Allele origin: germline.
Comment: the same text as in the submission from Illumina Laboratory Services, Illumina above.

Breakthrough Genomics
Classification: Likely benign. Review status: criteria provided, single submitter. Criteria: ACMG Guidelines, 2015. Collection method: not provided. Allele origin: germline. Inheritance: Autosomal recessive inheritance. Affected: yes.

PreventionGenetics, part of Exact Sciences
Classification: Benign. Review status: criteria provided, single submitter. Criteria: ACMG Guidelines, 2015. Collection method: clinical testing. Allele origin: germline.

Diagnostic Laboratory, Department of Genetics, University Medical Center Groningen
Classification: Benign. Review status: no assertion criteria provided. Collection method: clinical testing. Allele origin: germline. Affected: yes. Study: VKGL Data-share Consensus. Not counted in ClinVar's aggregate classification.

Dr. Peter K. Rogan Lab, Western University
No classification provided (evidence only). Condition: Malignant lymphoma, large B-cell, diffuse. Review status: no classification provided. Collection method: in vitro. Allele origin: not applicable. Functional consequence: retained intron. Not counted in ClinVar's aggregate classification.

Dr. Peter K. Rogan Lab, Western University
No classification provided (evidence only). Condition: Malignant lymphoma, large B-cell, diffuse. Review status: no classification provided. Collection method: in vitro. Allele origin: not applicable. Functional consequence: retained intron. Not counted in ClinVar's aggregate classification.

Dr. Peter K. Rogan Lab, Western University
No classification provided (evidence only). Condition: Uterine carcinosarcoma. Review status: no classification provided. Collection method: in vitro. Allele origin: not applicable. Functional consequence: retained intron. Not counted in ClinVar's aggregate classification.

Joint Genome Diagnostic Labs from Nijmegen and Maastricht, Radboudumc and MUMC+
Classification: Benign. Review status: no assertion criteria provided. Collection method: clinical testing. Allele origin: germline. Affected: yes. Study: VKGL Data-share Consensus. Not counted in ClinVar's aggregate classification.